The following is an entry in ClinVar:

NM_005359.6(SMAD4):c.407T>C (p.Val136Ala)

Gene: SMAD4 (SMAD family member 4; plus strand). Cytogenetic location: 18q21.2.
Variant type: single nucleotide variant.
Coding change: c.407T>C on transcript NM_005359.6 (MANE Select); coding-DNA position 407, T replaced by C.
Protein change: p.Val136Ala; replaces valine 136 with alanine.
Molecular consequence: missense variant.
Genome position (GRCh38, 1-based): chr18:51,048,843, T>C. VCF-style: chr18-51048843-T-C. GRCh37 (hg19) VCF-style: chr18-48575213-T-C.
Other names: c.407T>C, p.Val136Ala (NM_001407041.1, NM_001407042.1, NM_001407043.1); short protein forms V136A.
Identifiers: ClinVar variation 1737620 (VCV001737620.3), dbSNP rs2144406236, ClinGen allele CA402458814.

ClinVar aggregate classification (germline): Uncertain significance (1 of 4 stars; one submission).

Conditions:
Familial thoracic aortic aneurysm and aortic dissection (TAAD). Also called: Thoracic aortic aneurysms and dissections. Identifiers: Orphanet 91387, MedGen C4707243, MONDO:0019625.
Hereditary cancer-predisposing syndrome. Also called: Hereditary Cancer Syndrome; Hereditary neoplastic syndrome; Neoplastic Syndromes, Hereditary; Tumor predisposition. Identifiers: Orphanet 140162, MedGen C0027672, MeSH D009386, MONDO:0015356.

Submission:

Ambry Genetics
Classification: Uncertain significance for Hereditary cancer-predisposing syndrome; Familial thoracic aortic aneurysm and aortic dissection. Last evaluated: 2026-07-30. Review status: criteria provided, single submitter. Criteria: Ambry Variant Classification Scheme 2023. Collection method: clinical testing. Allele origin: germline.
Comment: The p.V136A variant (also known as c.407T>C), located in coding exon 2 of the SMAD4 gene, results from a T to C substitution at nucleotide position 407. The valine at codon 136 is replaced by alanine, an amino acid with similar properties. This amino acid position is highly conserved in available vertebrate species. In addition, this alteration is predicted to be deleterious by in silico analysis. Based on the available evidence, the clinical significance of this variant remains unclear.